The following is an entry in ClinVar:

NM_004055.5(CAPN5):c.1844G>A (p.Arg615Gln)

Gene: CAPN5 (calpain 5; plus strand). Cytogenetic location: 11q13.5.
Variant type: single nucleotide variant.
Coding change: c.1844G>A on transcript NM_004055.5 (MANE Select); coding-DNA position 1844, G replaced by A.
Protein change: p.Arg615Gln; replaces arginine 615 with glutamine.
Molecular consequence: missense variant.
Genome position (GRCh38, 1-based): chr11:77,123,791, G>A. VCF-style: chr11-77123791-G-A. GRCh37 (hg19) VCF-style: chr11-76834837-G-A.
Other names: c.1844G>A (NM_004055.4); short protein forms R615Q.
Identifiers: ClinVar variation 1164613 (VCV001164613.12), dbSNP rs143494790, ClinGen allele CA6196936.

ClinVar aggregate classification (germline): Benign/Likely benign. Review status: criteria provided, multiple submitters, no conflicts (2 of 4 stars). 3 submissions from 3 submitters: Benign (1); Likely benign (1). 1 of the submissions does not count toward it. Last evaluated 2026-02-01.

Conditions:
CAPN5-related disorder. Also called: CAPN5-related condition.

Allele frequency attached by ClinVar (database versions not stated): gnomAD exomes 0.00024 and 0.00049; ExAC 0.00055; gnomAD 0.00176 and 0.00182; TOPMed 0.00197; ESP Exome Variant Server 0.00216; 1000 Genomes Project 0.00260; 1000 Genomes Project 30x 0.00265.
gnomAD v4.1: 622 of 1,613,880 alleles (0.039%); highest among the groups gnomAD compares: African/African-American, 0.6%; 2 homozygotes.

Submissions (3):

Labcorp Genetics (formerly Invitae), Labcorp
Classification: Benign. Last evaluated: 2026-02-01. Review status: criteria provided, single submitter. Criteria: Invitae Variant Classification Sherloc (09022015). Collection method: clinical testing. Allele origin: germline.

Blueprint Genetics
Classification: Likely benign. Last evaluated: 2024-10-08. Review status: criteria provided, single submitter. Criteria: ACMG Guidelines, 2015. Collection method: clinical testing. Allele origin: germline.

PreventionGenetics, part of Exact Sciences
Classification: Benign for CAPN5-related condition. Last evaluated: 2019-03-13. Review status: no assertion criteria provided. Collection method: clinical testing. Allele origin: germline. Not counted in ClinVar's aggregate classification.
Comment: This variant is classified as benign based on ACMG/AMP sequence variant interpretation guidelines (Richards et al. 2015 PMID: 25741868, with internal and published modifications).